The following is an entry in ClinVar:

NM_001040142.2(SCN2A):c.2812G>A (p.Val938Met)

Gene: SCN2A (sodium voltage-gated channel alpha subunit 2; plus strand). Cytogenetic location: 2q24.3.
Variant type: single nucleotide variant.
Coding change: c.2812G>A on transcript NM_001040142.2 (MANE Select); coding-DNA position 2812, G replaced by A.
Protein change: p.Val938Met; replaces valine 938 with methionine.
Molecular consequence: missense variant.
Genome position (GRCh38, 1-based): chr2:165,344,804, G>A. VCF-style: chr2-165344804-G-A. GRCh37 (hg19) VCF-style: chr2-166201314-G-A.
Other names: c.2812G>A, p.Val938Met (NM_001040143.2, NM_001371246.1, NM_001371247.1 and 1 more transcripts); short protein forms V938M.
Identifiers: ClinVar variation 2579381 (VCV002579381.2), dbSNP rs2468008247, ClinGen allele CA349015785.

ClinVar aggregate classification (germline): Uncertain significance (1 of 4 stars; one submission).

Allele frequency attached by ClinVar (database versions not stated): gnomAD exomes below 0.00001.
gnomAD v4.1: 2 of 1,614,148 alleles (0.00012%); highest among the groups gnomAD compares: Non-Finnish European, 0.00017%; no homozygotes.

Submission:

GeneDx
Classification: Uncertain significance. Last evaluated: 2026-01-22. Review status: criteria provided, single submitter. Criteria: GeneDx Variant Classification Process June 2021. Collection method: clinical testing. Allele origin: germline. Affected: yes.
Comment: Not observed at significant frequency in large population cohorts (gnomAD); This substitution is predicted to be within the pore forming loop between the S5 and S6 transmembrane segments of the second homologous domain; In silico analysis supports that this missense variant has a deleterious effect on protein structure/function; Has not been previously published as pathogenic or benign to our knowledge